The following is an entry in ClinVar:

NM_005591.4(MRE11):c.1127del (p.Phe376fs)

Gene: MRE11 (MRE11 double strand break repair nuclease; minus strand). Cytogenetic location: 11q21.
Variant type: Deletion.
Coding change: c.1127del on transcript NM_005591.4 (MANE Select); coding-DNA position 1127, one base deleted (T; older notation c.1127delT).
Protein change: p.Phe376fs; shifts the reading frame from phenylalanine 376.
Molecular consequence: frameshift variant.
Genome position (GRCh38, 1-based): chr11:94,464,211, A deleted on the plus strand (T on the coding strand, the reverse complement: MRE11 is on the minus strand); the first of 3 consecutive A bases (chr11:94,464,211-94,464,213); deleting any one gives the same sequence. VCF-style (leftmost placement, unchanged base first): chr11-94464210-GA-G. GRCh37 (hg19) VCF-style: chr11-94197376-GA-G.
Other names: c.1127del, p.Phe376fs (NM_001330347.2, NM_005590.4); short protein forms F376fs.
Identifiers: ClinVar variation 2676685 (VCV002676685.4), dbSNP rs2496427766, ClinGen allele CA2574952646.

ClinVar aggregate classification (germline): Pathogenic/Likely pathogenic. Review status: criteria provided, multiple submitters, no conflicts (2 of 4 stars). 2 submissions from 2 submitters: Pathogenic (1); Likely pathogenic (1). Last evaluated 2023-10-04.

Conditions:
Ataxia-telangiectasia-like disorder (ATLD). Identifiers: MedGen C1858391, MONDO:0011457.
Ataxia-telangiectasia-like disorder 1 (ATLD1). Identifiers: Orphanet 251347, MedGen C4012790, MONDO:0024557, OMIM 604391.

Submissions (2):

Labcorp Genetics (formerly Invitae), Labcorp
Classification: Pathogenic for Ataxia-telangiectasia-like disorder. Last evaluated: 2023-10-04. Review status: criteria provided, single submitter. Criteria: Invitae Variant Classification Sherloc (09022015). Collection method: clinical testing. Allele origin: germline.
Comment: This sequence change creates a premature translational stop signal (p.Phe376Serfs*14) in the MRE11 gene. It is expected to result in an absent or disrupted protein product. Loss-of-function variants in MRE11 are known to be pathogenic (PMID: 23080121, 23912341). This variant is not present in population databases (gnomAD no frequency). This variant has not been reported in the literature in individuals affected with MRE11-related conditions. For these reasons, this variant has been classified as Pathogenic.

Baylor Genetics
Classification: Likely pathogenic for Ataxia-telangiectasia-like disorder 1. Last evaluated: 2023-07-31. Review status: criteria provided, single submitter. Criteria: ACMG Guidelines, 2015. Collection method: clinical testing. Allele origin: unknown.

Literature cited by the submitters: PubMed 23080121 (cited by Labcorp Genetics (formerly Invitae), Labcorp); PubMed 23912341 (cited by Labcorp Genetics (formerly Invitae), Labcorp).